The following is an entry in ClinVar:

ClinVar aggregate classification (germline): Conflicting classifications of pathogenicity. Review status: criteria provided, conflicting classifications (1 of 4 stars). 5 submissions from 4 submitters: Pathogenic (2); Likely pathogenic (1); Uncertain significance (1). 1 of the submissions does not count toward it. Last evaluated 2026-02-03.

Conditions:
Developmental and epileptic encephalopathy, 33 (DEE33). Also called: Epileptic encephalopathy, early infantile, 33. Identifiers: Orphanet 442835, MedGen C4225337, MONDO:0014625, OMIM 616409.
Intellectual disability. Also called: Intellectual functioning disability; Intellectual developmental disorder; intellectual disabilities. Identifiers: MedGen C3714756, MeSH D008607, MONDO:0001071, HP:0001249.

Submissions (5):

GeneDx
Classification: Pathogenic. Last evaluated: 2026-02-03. Review status: criteria provided, single submitter. Criteria: GeneDx Variant Classification Process June 2021. Collection method: clinical testing. Allele origin: germline.
Comment: Not observed at significant frequency in large population cohorts (gnomAD); In silico analysis supports that this missense variant has a deleterious effect on protein structure/function; This variant is associated with the following publications: (PMID: 34926809, 40540813, 33911214, 39787995, 38355961, 31440721)

Labcorp Genetics (formerly Invitae), Labcorp
Classification: Pathogenic for Developmental and epileptic encephalopathy, 33. Last evaluated: 2024-10-22. Review status: criteria provided, single submitter. Criteria: Invitae Variant Classification Sherloc (09022015). Collection method: clinical testing. Allele origin: germline.
Comment: This sequence change replaces arginine, which is basic and polar, with tryptophan, which is neutral and slightly polar, at codon 381 of the EEF1A2 protein (p.Arg381Trp). This variant is not present in population databases (gnomAD no frequency). This missense change has been observed in individual(s) with clinical features of EEF1A2-related conditions (internal data). In at least one individual the variant was observed to be de novo. ClinVar contains an entry for this variant (Variation ID: 577676). Invitae Evidence Modeling of protein sequence and biophysical properties (such as structural, functional, and spatial information, amino acid conservation, physicochemical variation, residue mobility, and thermodynamic stability) indicates that this missense variant is expected to disrupt EEF1A2 protein function with a positive predictive value of 95%. For these reasons, this variant has been classified as Pathogenic.

Institute of Human Genetics, University of Leipzig Medical Center
Classification: Likely pathogenic for Intellectual disability. Last evaluated: 2020-08-03. Review status: criteria provided, single submitter. Criteria: ACMG Guidelines, 2015. Collection method: clinical testing. Allele origin: unknown. Affected: yes.
Comment: The variant likely explains the NDD in this individual.

Institute of Human Genetics, University of Leipzig Medical Center
Classification: Uncertain significance for Developmental and epileptic encephalopathy, 33. Last evaluated: 2019-01-01. Review status: criteria provided, single submitter. Criteria: ACMG Guidelines, 2015. Collection method: clinical testing. Allele origin: unknown. Affected: yes.

Department of Genetics, Robert DEBRE University Hospital
Classification: Likely pathogenic. Last evaluated: 2018-04-26. Review status: no assertion criteria provided. Collection method: clinical testing. Allele origin: de novo. Affected: yes. Not counted in ClinVar's aggregate classification.

NM_001958.5(EEF1A2):c.1141C>T (p.Arg381Trp)

Gene: EEF1A2 (eukaryotic translation elongation factor 1 alpha 2; minus strand). Cytogenetic location: 20q13.33.
Variant type: single nucleotide variant.
Coding change: c.1141C>T on transcript NM_001958.5 (MANE Select); coding-DNA position 1141, C replaced by T.
Protein change: p.Arg381Trp; replaces arginine 381 with tryptophan.
Molecular consequence: missense variant.
Genome position (GRCh38, 1-based): chr20:63,489,041, G>A on the plus strand (C>T on the coding strand, the complement: EEF1A2 is on the minus strand). VCF-style: chr20-63489041-G-A. GRCh37 (hg19) VCF-style: chr20-62120394-G-A.
Other names: short protein forms R381W.
Identifiers: ClinVar variation 577676 (VCV000577676.15), dbSNP rs1568994522, ClinGen allele CA409644549.
Genomic context (GRCh38, chr20:63,489,041, plus strand): 5'-TGGCCGCGTCTCCAGACTTCAGGGACTTGGGGTTGTCCTCCAGCTTCTTGCCAGAGCGCC[G>A]GTCAATCTTCTCCTTCAGCTCCGCAAACTTGCAGGCGATGTGGGCTGTGTGGCAGTCGAT-3'
Protein context (NP_001949.1, residues 371-391): KFAELKEKID[Arg381Trp]RSGKKLEDNP